The following is an entry in ClinVar:

ClinVar aggregate classification (germline): Benign/Likely benign. Review status: criteria provided, multiple submitters, no conflicts (2 of 4 stars). 2 submissions from 2 submitters: Benign (1); Likely benign (1). Last evaluated 2026-04-28.

Conditions:
Colorectal cancer, susceptibility to, 1. Also called: COLORECTAL ADENOMA AND CANCER, SUSCEPTIBILITY TO; COLORECTAL CANCER, SUSCEPTIBILITY TO, ON CHROMOSOME 9. Identifiers: MedGen C1837315, MONDO:0012132, OMIM 608812.

Allele frequency attached by ClinVar (database versions not stated): gnomAD exomes 0.00001; TOPMed 0.00001; ExAC 0.00002.
gnomAD v4.1: 9 of 1,614,186 alleles (0.00056%); highest among the groups gnomAD compares: East Asian, 0.018%; no homozygotes.

Submissions (2):

Myriad Genetics, Inc.
Classification: Benign for Colorectal cancer, susceptibility to, 1. Last evaluated: 2026-04-28. Review status: criteria provided, single submitter. Criteria: Myriad Autosomal Dominant, Autosomal Recessive and X-Linked Classification Criteria (2023). Collection method: clinical testing. Allele origin: unknown.
Comment: This variant is considered benign. This variant is a silent/synonymous amino acid change and it is not expected to impact splicing.

Ambry Genetics
Classification: Likely benign. Last evaluated: 2019-10-24. Review status: criteria provided, single submitter. Criteria: Ambry Variant Classification Scheme 2023. Collection method: clinical testing. Allele origin: germline.

NM_024642.5(GALNT12):c.1734G>A (p.Glu578=)

Gene: GALNT12 (polypeptide N-acetylgalactosaminyltransferase 12; plus strand). Cytogenetic location: 9q22.33.
Variant type: single nucleotide variant.
Coding change: c.1734G>A on transcript NM_024642.5 (MANE Select); coding-DNA position 1734, G replaced by A.
Protein change: p.Glu578=; no amino-acid change (glutamic acid 578 retained).
Molecular consequence: synonymous variant.
Genome position (GRCh38, 1-based): chr9:98,849,080, G>A. VCF-style: chr9-98849080-G-A. GRCh37 (hg19) VCF-style: chr9-101611362-G-A.
Identifiers: ClinVar variation 819967 (VCV000819967.5), dbSNP rs769553219, ClinGen allele CA5154356.
Genomic context (GRCh38, chr9:98,849,080, plus strand): 5'-TTTCGTTCCACTCTTACGAGACTGCACCAACTCGGATCATCAGAAATGGTTCTTCAAAGA[G>A]CGCATGTTATGAAGCCTCGTGTATCAAGGAGCCCATCGAAGGAGACTGTGGAGCCAGGAC-3'
Protein context (NP_078918.3, residues 568-581): NSDHQKWFFK[Glu578=]RML